The following is an entry in ClinVar:

ClinVar aggregate classification (germline): Uncertain significance (1 of 4 stars; one submission).

Allele frequency attached by ClinVar (database versions not stated): gnomAD 0.00001; ExAC 0.00002; TOPMed 0.00002; ESP Exome Variant Server 0.00008.
gnomAD v4.1: 10 of 1,614,082 alleles (0.00062%); highest among the groups gnomAD compares: African/African-American, 0.0067%; no homozygotes.

Submission:

Labcorp Genetics (formerly Invitae), Labcorp
Classification: Uncertain significance. Last evaluated: 2020-01-05. Review status: criteria provided, single submitter. Criteria: Invitae Variant Classification Sherloc (09022015). Collection method: clinical testing. Allele origin: germline.
Comment: In summary, the available evidence is currently insufficient to determine the role of this variant in disease. Therefore, it has been classified as a Variant of Uncertain Significance. Algorithms developed to predict the effect of missense changes on protein structure and function are either unavailable or do not agree on the potential impact of this missense change (SIFT: "Deleterious"; PolyPhen-2: "Probably Damaging"; Align-GVGD: "Class C0"). This variant has not been reported in the literature in individuals with CUL7-related conditions. This variant is present in population databases (rs141027893, ExAC 0.02%). This sequence change replaces arginine with histidine at codon 948 of the CUL7 protein (p.Arg948His). The arginine residue is highly conserved and there is a small physicochemical difference between arginine and histidine.

NM_014780.5(CUL7):c.2843G>A (p.Arg948His)

Gene: CUL7 (cullin 7; minus strand). Cytogenetic location: 6p21.1.
Variant type: single nucleotide variant.
Coding change: c.2843G>A on transcript NM_014780.5 (MANE Select); coding-DNA position 2843, G replaced by A.
Protein change: p.Arg948His; replaces arginine 948 with histidine.
Molecular consequence: missense variant.
Genome position (GRCh38, 1-based): chr6:43,045,606, C>T on the plus strand (G>A on the coding strand, the complement: CUL7 is on the minus strand). VCF-style: chr6-43045606-C-T. GRCh37 (hg19) VCF-style: chr6-43013344-C-T.
Other names: c.2939G>A, p.Arg980His (NM_001168370.2, NM_001374872.1); c.2843G>A, p.Arg948His (NM_001374873.1, NM_001374874.1); short protein forms R948H, R980H.
Identifiers: ClinVar variation 1052800 (VCV001052800.8), dbSNP rs141027893, ClinGen allele CA3813679.
Genomic context (GRCh38, chr6:43,045,606, plus strand): 5'-AGCCCCCTACCCAGGGCCACACCCCACATCCCTGGCCCCACCTGCTGGCAGCGCTTTATG[C>T]GGATCTGGATGATGGGCCAGAAGCGGGTCAGGTTCTCCAGGAGGATCACCCGGCTGGCAG-3'
Protein context (NP_055595.2, residues 938-958): LTRFWPIIQI[Arg948His]IKRCQQGGID